The following is an entry in ClinVar:

NM_007255.3(B4GALT7):c.297G>T (p.Val99=)

Gene: B4GALT7 (beta-1,4-galactosyltransferase 7; plus strand). Cytogenetic location: 5q35.3.
Variant type: single nucleotide variant.
Coding change: c.297G>T on transcript NM_007255.3 (MANE Select); coding-DNA position 297, G replaced by T.
Protein change: p.Val99=; no amino-acid change (valine 99 retained).
Molecular consequence: synonymous variant.
Genome position (GRCh38, 1-based): chr5:177,604,425, G>T. VCF-style: chr5-177604425-G-T. GRCh37 (hg19) VCF-style: chr5-177031426-G-T.
Other names: p.Val99=.
Identifiers: ClinVar variation 386362 (VCV000386362.16), dbSNP rs114036939, ClinGen allele CA3586437.
Genomic context (GRCh38, chr5:177,604,425, plus strand): 5'-GCCCCCTGAGCACTGGGAAGAAGACGCATCCTGGGGCCCCCACCGCCTGGCAGTGCTGGT[G>T]CCCTTCCGCGAACGCTTCGAGGAGCTCCTGGTCTTCGTGCCCCACATGCGCCGCTTCCTG-3'
Protein context (NP_009186.1, residues 89-109): SWGPHRLAVL[Val99=]PFRERFEELL

ClinVar aggregate classification (germline): Benign. Review status: criteria provided, multiple submitters, no conflicts (2 of 4 stars). 5 submissions from 5 submitters: Benign (5). Last evaluated 2026-01-27.

Conditions:
Spondylodysplastic Ehlers-Danlos syndrome. Identifiers: Orphanet 536471, Orphanet 75496, MedGen C5680154, MONDO:0007526.
Ehlers-Danlos syndrome (EDS). Identifiers: Orphanet 98249, MedGen C0013720, MONDO:0020066.

Allele frequency attached by ClinVar (database versions not stated): ExAC 0.00343; gnomAD 0.01084 and 0.01155; ESP Exome Variant Server 0.01138; TOPMed 0.01173; 1000 Genomes Project 0.01458; 1000 Genomes Project 30x 0.01640.
gnomAD v4.1: 3,372 of 1,613,872 alleles (0.21%); highest among the groups gnomAD compares: African/African-American, 3.9%; 54 homozygotes.

Submissions (5):

Labcorp Genetics (formerly Invitae), Labcorp
Classification: Benign for Spondylodysplastic Ehlers-Danlos syndrome. Last evaluated: 2026-01-27. Review status: criteria provided, single submitter. Criteria: Invitae Variant Classification Sherloc (09022015). Collection method: clinical testing. Allele origin: germline.

Women's Health and Genetics/Laboratory Corporation of America, LabCorp
Classification: Benign. Last evaluated: 2026-01-22. Review status: criteria provided, single submitter. Criteria: LabCorp Variant Classification Summary - May 2015. Collection method: clinical testing. Allele origin: germline.

Mayo Clinic Laboratories, Mayo Clinic
Classification: Benign. Last evaluated: 2023-10-18. Review status: criteria provided, single submitter. Criteria: ACMG Guidelines, 2015. Collection method: clinical testing. Allele origin: germline. Observed: 13 variant alleles.
Comment: BS1, BS2, BP4, BP7

Genome Diagnostics Laboratory, The Hospital for Sick Children
Classification: Benign for Ehlers-Danlos syndrome. Last evaluated: 2021-10-21. Review status: criteria provided, single submitter. Criteria: ACMG Guidelines, 2015. Collection method: clinical testing. Allele origin: germline.

GeneDx
Classification: Benign. Last evaluated: 2016-11-21. Review status: criteria provided, single submitter. Criteria: GeneDx Variant Classification (06012015). Collection method: clinical testing. Allele origin: germline. Affected: yes.
Comment: This variant is considered likely benign or benign based on one or more of the following criteria: it is a conservative change, it occurs at a poorly conserved position in the protein, it is predicted to be benign by multiple in silico algorithms, and/or has population frequency not consistent with disease.